The following is an entry in ClinVar:

NM_182961.4(SYNE1):c.26203C>G (p.Arg8735Gly)

Genes: ESR1 (estrogen receptor 1; plus strand), SYNE1 (spectrin repeat containing nuclear envelope protein 1; minus strand). Cytogenetic location: 6q25.2.
Variant type: single nucleotide variant.
Coding change: c.26203C>G on transcript NM_182961.4 (MANE Select); coding-DNA position 26203, C replaced by G.
Protein change: p.Arg8735Gly; replaces arginine 8735 with glycine.
Molecular consequence: missense variant. On other transcripts: 3 prime UTR variant (1), intron variant (1).
Genome position (GRCh38, 1-based): chr6:152,122,627, G>C on the plus strand (C>G on the coding strand, the complement: SYNE1 is on the minus strand). VCF-style: chr6-152122627-G-C. GRCh37 (hg19) VCF-style: chr6-152443762-G-C.
Other names: c.*14C>G (NM_001347701.2); c.2737C>G, p.Arg913Gly (NM_001347702.2); c.26059C>G, p.Arg8687Gly (NM_033071.5); c.851-2639G>C (NM_001328100.2); short protein forms R8687G, R8735G, R913G.
Identifiers: ClinVar variation 4537130 (VCV004537130.1).

ClinVar aggregate classification (germline): Uncertain significance (1 of 4 stars; one submission).

gnomAD v4.1: 5 of 1,614,116 alleles (0.00031%); highest among the groups gnomAD compares: Middle Eastern, 0.017%; no homozygotes.

Submission:

Women's Health and Genetics/Laboratory Corporation of America, LabCorp
Classification: Uncertain significance. Last evaluated: 2025-11-03. Review status: criteria provided, single submitter. Criteria: LabCorp Variant Classification Summary - May 2015. Collection method: clinical testing. Allele origin: germline.
Comment: Variant summary: SYNE1 c.26059C>G (p.Arg8687Gly) results in a non-conservative amino acid change in the encoded protein sequence. Algorithms developed to predict the effect of missense changes on protein structure and function are either unavailable or do not agree on the potential impact of this missense change. The variant was absent in 251306 control chromosomes. The available data on variant occurrences in the general population are insufficient to allow any conclusion about variant significance. To our knowledge, no occurrence of c.26059C>G in individuals affected with SYNE1-related conditions and no experimental evidence demonstrating its impact on protein function have been reported. No submitters have cited clinical-significance assessments for this variant to ClinVar. Based on the evidence outlined above, the variant was classified as uncertain significance.